The following is an entry in ClinVar:

NM_183357.3(ADCY5):c.646T>G (p.Phe216Val)

Gene: ADCY5 (adenylate cyclase 5; minus strand). Cytogenetic location: 3q21.1.
Variant type: single nucleotide variant.
Coding change: c.646T>G on transcript NM_183357.3 (MANE Select); coding-DNA position 646, T replaced by G.
Protein change: p.Phe216Val; replaces phenylalanine 216 with valine.
Molecular consequence: missense variant.
Genome position (GRCh38, 1-based): chr3:123,447,900, A>C on the plus strand (T>G on the coding strand, the complement: ADCY5 is on the minus strand). VCF-style: chr3-123447900-A-C. GRCh37 (hg19) VCF-style: chr3-123166747-A-C.
Other names: c.646T>G, p.Phe216Val (NM_001378259.1); short protein forms F216V.
Identifiers: ClinVar variation 2844829 (VCV002844829.3), dbSNP rs770027937, ClinGen allele CA354357042.

ClinVar aggregate classification (germline): Uncertain significance (1 of 4 stars; one submission).

gnomAD v4.1: 6 of 1,611,248 alleles (0.00037%); highest among the groups gnomAD compares: Non-Finnish European, 0.00042%; no homozygotes.

Submission:

Labcorp Genetics (formerly Invitae), Labcorp
Classification: Uncertain significance. Last evaluated: 2023-05-08. Review status: criteria provided, single submitter. Criteria: Invitae Variant Classification Sherloc (09022015). Collection method: clinical testing. Allele origin: germline.
Comment: This sequence change replaces phenylalanine, which is neutral and non-polar, with valine, which is neutral and non-polar, at codon 216 of the ADCY5 protein (p.Phe216Val). This variant is present in population databases (no rsID available, gnomAD 0.0009%). This variant has not been reported in the literature in individuals affected with ADCY5-related conditions. Advanced modeling of protein sequence and biophysical properties (such as structural, functional, and spatial information, amino acid conservation, physicochemical variation, residue mobility, and thermodynamic stability) has been performed at Invitae for this missense variant, however the output from this modeling did not meet the statistical confidence thresholds required to predict the impact of this variant on ADCY5 protein function. In summary, the available evidence is currently insufficient to determine the role of this variant in disease. Therefore, it has been classified as a Variant of Uncertain Significance.